The following is an entry in ClinVar:

ClinVar aggregate classification (germline): Uncertain significance (1 of 4 stars; one submission).

Allele frequency attached by ClinVar (database versions not stated): TOPMed below 0.00001; gnomAD 0.00001; gnomAD exomes 0.00001.
gnomAD v4.1: 2 of 1,599,312 alleles (0.00013%); highest among the groups gnomAD compares: African/African-American, 0.0027%; no homozygotes.

Submission:

Labcorp Genetics (formerly Invitae), Labcorp
Classification: Uncertain significance. Last evaluated: 2021-08-27. Review status: criteria provided, single submitter. Criteria: Invitae Variant Classification Sherloc (09022015). Collection method: clinical testing. Allele origin: germline.
Comment: This sequence change replaces serine with arginine at codon 211 of the KCNV2 protein (p.Ser211Arg). The serine residue is moderately conserved and there is a moderate physicochemical difference between serine and arginine. This variant is not present in population databases (ExAC no frequency). This variant has not been reported in the literature in individuals affected with KCNV2-related conditions. Advanced modeling of protein sequence and biophysical properties (such as structural, functional, and spatial information, amino acid conservation, physicochemical variation, residue mobility, and thermodynamic stability) performed at Invitae indicates that this missense variant is not expected to disrupt KCNV2 protein function. In summary, the available evidence is currently insufficient to determine the role of this variant in disease. Therefore, it has been classified as a Variant of Uncertain Significance.

NM_133497.4(KCNV2):c.633C>A (p.Ser211Arg)

Gene: KCNV2 (potassium voltage-gated channel modifier subfamily V member 2; plus strand). Cytogenetic location: 9p24.2.
Variant type: single nucleotide variant.
Coding change: c.633C>A on transcript NM_133497.4 (MANE Select); coding-DNA position 633, C replaced by A.
Protein change: p.Ser211Arg; replaces serine 211 with arginine.
Molecular consequence: missense variant.
Genome position (GRCh38, 1-based): chr9:2,718,372, C>A. VCF-style: chr9-2718372-C-A. GRCh37 (hg19) VCF-style: chr9-2718372-C-A.
Other names: short protein forms S211R.
Identifiers: ClinVar variation 1510563 (VCV001510563.5), dbSNP rs920301311, ClinGen allele CA187972343.